The following is an entry in ClinVar:

NM_007294.4(BRCA1):c.4873_4876dup (p.Asn1626delinsIleTer)

Gene: BRCA1 (BRCA1 DNA repair associated; minus strand). Cytogenetic location: 17q21.31.
Variant type: Microsatellite.
Coding change: c.4873_4876dup on transcript NM_007294.4 (MANE Select); coding-DNA positions 4873 to 4876, 4 bases duplicated (TATA; older notation c.4873_4876dupTATA).
Protein change: p.Asn1626delinsIleTer.
Molecular consequence: nonsense. On other transcripts: intron variant (1).
Genome position (GRCh38, 1-based): chr17:43,071,038-43,071,041, TATA duplicated on the plus strand (TATA on the coding strand, the reverse complement: BRCA1 is on the minus strand). VCF-style (leftmost placement, unchanged base first): chr17-43071037-T-TTATA. GRCh37 (hg19) VCF-style: chr17-41223054-T-TTATA.
Other names: c.4609_4612dup, p.Asn1538delinsIleTer (NM_001407922.1, NM_001407923.1, NM_001407924.1 and 4 more transcripts); c.4606_4609dup, p.Asn1537delinsIleTer (NM_001407927.1, NM_001407928.1, NM_001407929.1 and 4 more transcripts); c.4603_4606dup, p.Asn1536delinsIleTer (NM_001407934.1, NM_001407935.1, NM_001407936.1); c.4750_4753dup, p.Asn1585delinsIleTer (NM_001407937.1, NM_001407938.1, NM_001407664.1 and 6 more transcripts); c.4747_4750dup, p.Asn1584delinsIleTer (NM_001407939.1, NM_001407670.1, NM_001407671.1 and 11 more transcripts); c.4660_4663dup, p.Asn1555delinsIleTer (NM_001407571.1, NM_001407894.1, NM_001407895.1 and 12 more transcripts); c.4939_4942dup, p.Asn1648delinsIleTer (NM_001407581.1, NM_001407582.1); c.4936_4939dup, p.Asn1647delinsIleTer (NM_001407583.1, NM_001407585.1, NM_001407587.1 and 1 more transcripts); and 71 more.
Identifiers: ClinVar variation 3724295 (VCV003724295.2).
Genomic context (GRCh38, chr17:43,071,037, plus strand): 5'-ACCCTTTCTGTTGAAGCTGTCAATTCTGGCTTCTCCCTGCTCACACTTTCTTCCATTGCA[T>TTATA]TATACCCAGCAGTATCAGTAGTATGAGCAGCAGCTGGACTCTGGGCAGATTCTGCAACTT-3'

ClinVar aggregate classification (germline): Pathogenic (1 of 4 stars; one submission).

Conditions:
Hereditary breast ovarian cancer syndrome. Also called: Hereditary breast and ovarian cancer syndrome; Hereditary breast and/or ovarian cancer syndrome; Hereditary breast and ovarian cancer; Hereditary breast and ovarian cancer syndrome (HBOC); Breast and ovarian cancer; BRCA1- and BRCA2-Associated Hereditary Breast and Ovarian Cancer. Identifiers: Orphanet 145, MedGen C0677776, MeSH D061325, MONDO:0003582. Disease mechanism: loss of function.

Submission:

Labcorp Genetics (formerly Invitae), Labcorp
Classification: Pathogenic for Hereditary breast ovarian cancer syndrome. Last evaluated: 2024-11-11. Review status: criteria provided, single submitter. Criteria: Invitae Variant Classification Sherloc (09022015). Collection method: clinical testing. Allele origin: germline.
Comment: This sequence change creates a premature translational stop signal (p.Asn1626Ilefs*2) in the BRCA1 gene. It is expected to result in an absent or disrupted protein product. Loss-of-function variants in BRCA1 are known to be pathogenic (PMID: 20104584). This variant is not present in population databases (gnomAD no frequency). This variant has not been reported in the literature in individuals affected with BRCA1-related conditions. For these reasons, this variant has been classified as Pathogenic.

Literature cited by the submitters: PubMed 20104584.